The following is an entry in ClinVar:

ClinVar aggregate classification (germline): Uncertain significance (1 of 4 stars; one submission).

Conditions:
Primary ciliary dyskinesia. Also called: Ciliary dyskinesia. Identifiers: Orphanet 244, MedGen C0008780, MONDO:0016575, HP:0012265.

Submission:

Labcorp Genetics (formerly Invitae), Labcorp
Classification: Uncertain significance for Primary ciliary dyskinesia. Last evaluated: 2024-10-25. Review status: criteria provided, single submitter. Criteria: Invitae Variant Classification Sherloc (09022015). Collection method: clinical testing. Allele origin: germline.
Comment: This sequence change replaces isoleucine, which is neutral and non-polar, with threonine, which is neutral and polar, at codon 41 of the DNAAF3 protein (p.Ile41Thr). This variant is present in population databases (rs748529039, gnomAD 0.02%). This variant has not been reported in the literature in individuals affected with DNAAF3-related conditions. An algorithm developed to predict the effect of missense changes on protein structure and function outputs the following: PolyPhen-2: "Benign". The threonine amino acid residue is found in multiple mammalian species, which suggests that this missense change does not adversely affect protein function. In summary, the available evidence is currently insufficient to determine the role of this variant in disease. Therefore, it has been classified as a Variant of Uncertain Significance.

NM_001256715.2(DNAAF3):c.-9T>C

Genes: DNAAF3 (dynein axonemal assembly factor 3; minus strand), DNAAF3-AS1 (DNAAF3 antisense RNA 1; plus strand). Cytogenetic location: 19q13.42.
Variant type: single nucleotide variant.
Coding change: c.-9T>C on transcript NM_001256715.2 (MANE Select); 9 bases upstream of the start codon, T replaced by C.
Molecular consequence: 5 prime UTR variant. On other transcripts: missense variant (2).
Genome position (GRCh38, 1-based): chr19:55,166,527, A>G on the plus strand (T>C on the coding strand, the complement: DNAAF3 is on the minus strand). VCF-style: chr19-55166527-A-G. GRCh37 (hg19) VCF-style: chr19-55677895-A-G.
Other names: c.122T>C, p.Ile41Thr (NM_001256714.1, NM_178837.4); c.-258T>C (NM_001256716.2); short protein forms I41T.
Identifiers: ClinVar variation 3709834 (VCV003709834.1).
Genomic context (GRCh38, chr19:55,166,527, plus strand): 5'-CTCTCACCGCCCCTCACTTCTCGCCCCTTTGCCTCCACATGATACCTTGCCCACACCTTT[A>G]TCCTCCAAATATCCCGGGACGCCCCTTCCTCTCTGCTCAGTGCAGCACTGTGGACCCGCG-3'